The following is an entry in ClinVar:

NM_001378743.1(CYLD):c.1172T>C (p.Ile391Thr)

Gene: CYLD (CYLD lysine 63 deubiquitinase; plus strand). Cytogenetic location: 16q12.1.
Variant type: single nucleotide variant.
Coding change: c.1172T>C on transcript NM_001378743.1 (MANE Select); coding-DNA position 1172, T replaced by C.
Protein change: p.Ile391Thr; replaces isoleucine 391 with threonine.
Molecular consequence: missense variant. On other transcripts: non-coding transcript variant (1).
Genome position (GRCh38, 1-based): chr16:50,779,698, T>C. VCF-style: chr16-50779698-T-C. GRCh37 (hg19) VCF-style: chr16-50813609-T-C.
Other names: c.1163T>C, p.Ile388Thr (NM_001042355.2, NM_001042412.3, NM_001378744.1 and 6 more transcripts); c.1133T>C, p.Ile378Thr (NM_001378751.1, NM_001378752.1, NM_001378753.1); c.497T>C, p.Ile166Thr (NM_001378754.1, NM_001378755.1); c.1172T>C, p.Ile391Thr (NM_015247.3); short protein forms I391T, I388T, I166T, I378T.
Identifiers: ClinVar variation 319502 (VCV000319502.7), dbSNP rs138976689, ClinGen allele CA8052356.

ClinVar aggregate classification (germline): Conflicting classifications of pathogenicity. Review status: criteria provided, conflicting classifications (1 of 4 stars). 4 submissions from 2 submitters: Uncertain significance (1); Benign (3). Last evaluated 2024-02-20.

Conditions:
Familial multiple trichoepitheliomata. Also called: Familial multiple trichoepithelioma. Identifiers: Orphanet 79493, Orphanet 867, MedGen C1275122, MONDO:0011114.
Brooke-Spiegler syndrome. Also called: CYLD Cutaneous Syndrome. Identifiers: Orphanet 79493, MedGen C1857941, MONDO:0011512, OMIM 605041.
Familial cylindromatosis. Also called: Turban tumor syndrome; ANCELL-SPIEGLER CYLINDROMAS. Identifiers: Orphanet 211, Orphanet 79493, MedGen C1851526, MONDO:0007565, OMIM 132700.

Allele frequency attached by ClinVar (database versions not stated): gnomAD exomes 0.00001; ExAC 0.00002; gnomAD 0.00003; 1000 Genomes Project 30x 0.00031; 1000 Genomes Project 0.00040.
gnomAD v4.1: 83 of 1,614,034 alleles (0.0051%); highest among the groups gnomAD compares: East Asian, 0.18%; no homozygotes.

Submissions (4):

Labcorp Genetics (formerly Invitae), Labcorp
Classification: Uncertain significance. Last evaluated: 2024-02-20. Review status: criteria provided, single submitter. Criteria: Invitae Variant Classification Sherloc (09022015). Collection method: clinical testing. Allele origin: germline.
Comment: This sequence change replaces isoleucine, which is neutral and non-polar, with threonine, which is neutral and polar, at codon 391 of the CYLD protein (p.Ile391Thr). This variant is present in population databases (rs138976689, gnomAD 0.01%). This variant has not been reported in the literature in individuals affected with CYLD-related conditions. ClinVar contains an entry for this variant (Variation ID: 319502). Advanced modeling of protein sequence and biophysical properties (such as structural, functional, and spatial information, amino acid conservation, physicochemical variation, residue mobility, and thermodynamic stability) performed at Invitae indicates that this missense variant is not expected to disrupt CYLD protein function with a negative predictive value of 80%. In summary, the available evidence is currently insufficient to determine the role of this variant in disease. Therefore, it has been classified as a Variant of Uncertain Significance.

Illumina Laboratory Services, Illumina
Classification: Benign for Trichoepithelioma, multiple familial, 1. Last evaluated: 2018-01-13. Review status: criteria provided, single submitter. Criteria: ICSL Variant Classification Criteria 13 December 2019. Collection method: clinical testing. Allele origin: germline.
Comment: This variant was observed in the ICSL laboratory as part of a predisposition screen in an ostensibly healthy population. It had not been previously curated by ICSL or reported in the Human Gene Mutation Database (HGMD: prior to June 1st, 2018), and was therefore a candidate for classification through an automated scoring system. Utilizing variant allele frequency, disease prevalence and penetrance estimates, and inheritance mode, an automated score was calculated to assess if this variant is too frequent to cause the disease. Based on the score and internal cut-off values, a variant classified as benign is not then subjected to further curation. The score for this variant resulted in a classification of benign for this disease.

Illumina Laboratory Services, Illumina
Classification: Benign for Familial cylindromatosis. Last evaluated: 2018-01-13. Review status: criteria provided, single submitter. Criteria: ICSL Variant Classification Criteria 13 December 2019. Collection method: clinical testing. Allele origin: germline.
Comment: the same text as in the submission from Illumina Laboratory Services, Illumina above.

Illumina Laboratory Services, Illumina
Classification: Benign for Brooke-Spiegler syndrome. Last evaluated: 2018-01-13. Review status: criteria provided, single submitter. Criteria: ICSL Variant Classification Criteria 13 December 2019. Collection method: clinical testing. Allele origin: germline.
Comment: the same text as in the submission from Illumina Laboratory Services, Illumina above.